The following is an entry in ClinVar:

NM_002860.4(ALDH18A1):c.1990C>G (p.Leu664Val)

Gene: ALDH18A1 (aldehyde dehydrogenase 18 family member A1; minus strand). Cytogenetic location: 10q24.1.
Variant type: single nucleotide variant.
Coding change: c.1990C>G on transcript NM_002860.4 (MANE Select); coding-DNA position 1990, C replaced by G.
Protein change: p.Leu664Val; replaces leucine 664 with valine.
Molecular consequence: missense variant.
Genome position (GRCh38, 1-based): chr10:95,611,376, G>C on the plus strand (C>G on the coding strand, the complement: ALDH18A1 is on the minus strand). VCF-style: chr10-95611376-G-C. GRCh37 (hg19) VCF-style: chr10-97371133-G-C.
Other names: c.1984C>G, p.Leu662Val (NM_001017423.2, NM_001323415.2); c.1657C>G, p.Leu553Val (NM_001323412.2, NM_001323416.2); c.1990C>G, p.Leu664Val (NM_001323413.2, NM_001323414.2); c.1885C>G, p.Leu629Val (NM_001323417.2); c.1651C>G, p.Leu551Val (NM_001323418.2); c.1354C>G, p.Leu452Val (NM_001323419.2); short protein forms L452V, L551V, L553V, L629V, L662V, L664V.
Identifiers: ClinVar variation 3378274 (VCV003378274.1).

ClinVar aggregate classification (germline): Uncertain significance (1 of 4 stars; one submission).

Submission:

GeneDx
Classification: Uncertain significance. Last evaluated: 2024-05-13. Review status: criteria provided, single submitter. Criteria: GeneDx Variant Classification Process June 2021. Collection method: clinical testing. Allele origin: germline. Affected: yes.
Comment: Not observed at significant frequency in large population cohorts (gnomAD); In silico analysis indicates that this missense variant does not alter protein structure/function; Has not been previously published as pathogenic or benign to our knowledge